The following is an entry in ClinVar:

NM_006084.5(IRF9):c.217G>C (p.Asp73His)

Gene: IRF9 (interferon regulatory factor 9; plus strand). Cytogenetic location: 14q12.
Variant type: single nucleotide variant.
Coding change: c.217G>C on transcript NM_006084.5 (MANE Select); coding-DNA position 217, G replaced by C.
Protein change: p.Asp73His; replaces aspartic acid 73 with histidine.
Molecular consequence: missense variant.
Genome position (GRCh38, 1-based): chr14:24,163,002, G>C. VCF-style: chr14-24163002-G-C. GRCh37 (hg19) VCF-style: chr14-24632211-G-C.
Other names: c.217G>C, p.Asp73His (NM_001385400.1, NM_001385401.1, NM_001385402.1); short protein forms D73H.
Identifiers: ClinVar variation 1516144 (VCV001516144.6), dbSNP rs926909686, ClinGen allele CA257865217.

ClinVar aggregate classification (germline): Uncertain significance (1 of 4 stars; one submission).

Allele frequency attached by ClinVar (database versions not stated): gnomAD exomes below 0.00001; TOPMed below 0.00001.
gnomAD v4.1: 1 of 1,614,034 alleles (0.000062%); highest among the groups gnomAD compares: African/African-American, 0.0013%; no homozygotes.

Submission:

Labcorp Genetics (formerly Invitae), Labcorp
Classification: Uncertain significance. Last evaluated: 2022-06-13. Review status: criteria provided, single submitter. Criteria: Invitae Variant Classification Sherloc (09022015). Collection method: clinical testing. Allele origin: germline.
Comment: In summary, the available evidence is currently insufficient to determine the role of this variant in disease. Therefore, it has been classified as a Variant of Uncertain Significance. Algorithms developed to predict the effect of missense changes on protein structure and function are either unavailable or do not agree on the potential impact of this missense change (SIFT: "Deleterious"; PolyPhen-2: "Probably Damaging"; Align-GVGD: "Class C0"). This variant has not been reported in the literature in individuals affected with IRF9-related conditions. This variant is present in population databases (no rsID available, gnomAD 0.007%). This sequence change replaces aspartic acid, which is acidic and polar, with histidine, which is basic and polar, at codon 73 of the IRF9 protein (p.Asp73His).